The following is an entry in ClinVar:

ClinVar aggregate classification (germline): Uncertain significance (1 of 4 stars; one submission).

gnomAD v4.1: 8 of 1,570,456 alleles (0.00051%); highest among the groups gnomAD compares: South Asian, 0.0023%; no homozygotes.

Submission:

Labcorp Genetics (formerly Invitae), Labcorp
Classification: Uncertain significance. Last evaluated: 2024-10-25. Review status: criteria provided, single submitter. Criteria: Invitae Variant Classification Sherloc (09022015). Collection method: clinical testing. Allele origin: germline.
Comment: This sequence change replaces arginine, which is basic and polar, with histidine, which is basic and polar, at codon 104 of the NDUFA11 protein (p.Arg104His). The frequency data for this variant in the population databases is considered unreliable, as metrics indicate poor data quality at this position in the gnomAD database. This variant has not been reported in the literature in individuals affected with NDUFA11-related conditions. ClinVar contains an entry for this variant (Variation ID: 1489911). An algorithm developed to predict the effect of missense changes on protein structure and function (PolyPhen-2) suggests that this variant is likely to be disruptive. In summary, the available evidence is currently insufficient to determine the role of this variant in disease. Therefore, it has been classified as a Variant of Uncertain Significance.

NM_175614.5(NDUFA11):c.311G>A (p.Arg104His)

Gene: NDUFA11 (NADH:ubiquinone oxidoreductase subunit A11; minus strand). Cytogenetic location: 19p13.3.
Variant type: single nucleotide variant.
Coding change: c.311G>A on transcript NM_175614.5 (MANE Select); coding-DNA position 311, G replaced by A.
Protein change: p.Arg104His; replaces arginine 104 with histidine.
Molecular consequence: missense variant. On other transcripts: non-coding transcript variant (1).
Genome position (GRCh38, 1-based): chr19:5,896,455, C>T on the plus strand (G>A on the coding strand, the complement: NDUFA11 is on the minus strand). VCF-style: chr19-5896455-C-T. GRCh37 (hg19) VCF-style: chr19-5896466-C-T.
Other names: c.311G>A, p.Arg104His (NM_001193375.3); short protein forms R104H.
Identifiers: ClinVar variation 1489911 (VCV001489911.6), dbSNP rs199842745, ClinGen allele CA9118948.